The following is an entry in ClinVar:

NM_001378454.1(ALMS1):c.4051A>T (p.Ser1351Cys)

Gene: ALMS1 (ALMS1 centrosome and basal body associated protein; plus strand). Cytogenetic location: 2p13.1.
Variant type: single nucleotide variant.
Coding change: c.4051A>T on transcript NM_001378454.1 (MANE Select); coding-DNA position 4051, A replaced by T.
Protein change: p.Ser1351Cys; replaces serine 1351 with cysteine.
Molecular consequence: missense variant.
Genome position (GRCh38, 1-based): chr2:73,450,578, A>T. VCF-style: chr2-73450578-A-T. GRCh37 (hg19) VCF-style: chr2-73677705-A-T.
Other names: c.4054A>T, p.Ser1352Cys (NM_015120.4); short protein forms S1351C, S1352C.
Identifiers: ClinVar variation 1394258 (VCV001394258.3), dbSNP rs779496090, ClinGen allele CA1713631.

ClinVar aggregate classification (germline): Uncertain significance (1 of 4 stars; one submission).

Conditions:
Alstrom syndrome (ALMS). Identifiers: Orphanet 64, MedGen C0268425, MONDO:0008763, OMIM 203800.

Allele frequency attached by ClinVar (database versions not stated): gnomAD exomes below 0.00001; ExAC 0.00001.
gnomAD v4.1: 2 of 1,612,078 alleles (0.00012%); highest among the groups gnomAD compares: Non-Finnish European, 0.00017%; no homozygotes.

Submission:

Labcorp Genetics (formerly Invitae), Labcorp
Classification: Uncertain significance for Alstrom syndrome. Last evaluated: 2022-06-20. Review status: criteria provided, single submitter. Criteria: Invitae Variant Classification Sherloc (09022015). Collection method: clinical testing. Allele origin: germline.
Comment: This sequence change replaces serine, which is neutral and polar, with cysteine, which is neutral and slightly polar, at codon 1352 of the ALMS1 protein (p.Ser1352Cys). This variant is present in population databases (rs779496090, gnomAD 0.0009%). This variant has not been reported in the literature in individuals affected with ALMS1-related conditions. Experimental studies and prediction algorithms are not available or were not evaluated, and the functional significance of this variant is currently unknown. In summary, the available evidence is currently insufficient to determine the role of this variant in disease. Therefore, it has been classified as a Variant of Uncertain Significance.